The following is an entry in ClinVar:

NM_018941.4(CLN8):c.274C>T (p.His92Tyr)

Gene: CLN8 (CLN8 transmembrane ER and ERGIC protein; plus strand). Cytogenetic location: 8p23.3.
Variant type: single nucleotide variant.
Coding change: c.274C>T on transcript NM_018941.4 (MANE Select); coding-DNA position 274, C replaced by T.
Protein change: p.His92Tyr; replaces histidine 92 with tyrosine.
Molecular consequence: missense variant.
Genome position (GRCh38, 1-based): chr8:1,771,328, C>T. VCF-style: chr8-1771328-C-T. GRCh37 (hg19) VCF-style: chr8-1719494-C-T.
Other names: p.H92Y:CAT>TAT; short protein forms H92Y.
Identifiers: ClinVar variation 128788 (VCV000128788.27), dbSNP rs34030778, ClinGen allele CA288746.

ClinVar aggregate classification (germline): Benign/Likely benign. Review status: criteria provided, multiple submitters, no conflicts (2 of 4 stars). 10 submissions from 10 submitters: Benign (6); Likely benign (2). 2 of the submissions do not count toward it. Last evaluated 2026-02-03.

Conditions:
Inborn genetic diseases. Identifiers: MedGen C0950123, MeSH D030342.
Neuronal ceroid lipofuscinosis. Also called: Neuronal Ceroid Lipofuscinoses. Identifiers: Orphanet 216, Orphanet 79263, MedGen C0027877, MONDO:0016295. Disease mechanism: loss of function.
Neuronal ceroid lipofuscinosis 8 (CLN8). Also called: CLN8-Related Neuronal Ceroid-Lipofuscinosis. Identifiers: Orphanet 168491, Orphanet 228354, Orphanet 79264, MedGen C1838570, MONDO:0010830, OMIM 600143.

Allele frequency attached by ClinVar (database versions not stated): gnomAD exomes 0.00280; ExAC 0.00348; gnomAD 0.01062 and 0.01138; 1000 Genomes Project 0.01118; TOPMed 0.01175; 1000 Genomes Project 30x 0.01202; ESP Exome Variant Server 0.01338.

Submissions (10):

Labcorp Genetics (formerly Invitae), Labcorp
Classification: Benign for Neuronal ceroid lipofuscinosis. Last evaluated: 2026-02-03. Review status: criteria provided, single submitter. Criteria: Invitae Variant Classification Sherloc (09022015). Collection method: clinical testing. Allele origin: germline.

Mayo Clinic Laboratories, Mayo Clinic
Classification: Benign. Last evaluated: 2021-06-10. Review status: criteria provided, single submitter. Criteria: ACMG Guidelines, 2015. Collection method: clinical testing. Allele origin: germline. Observed: 9 variant alleles.

Athena Diagnostics
Classification: Benign. Last evaluated: 2017-01-25. Review status: criteria provided, single submitter. Criteria: Athena Diagnostics Criteria. Collection method: clinical testing. Allele origin: germline.

Ambry Genetics
Classification: Benign for Inborn genetic diseases. Last evaluated: 2016-07-28. Review status: criteria provided, single submitter. Criteria: Ambry Variant Classification Scheme 2023. Collection method: clinical testing. Allele origin: germline.

Center for Pediatric Genomic Medicine, Children's Mercy Hospital and Clinics
Classification: Likely benign. Last evaluated: 2016-02-11. Review status: criteria provided, single submitter. Criteria: ACMG Guidelines, 2015. Collection method: clinical testing. Allele origin: germline.
ClinVar note: Converted during submission from Likely Benign to Likely benign.

Eurofins Ntd Llc (ga)
Classification: Benign. Last evaluated: 2014-05-07. Review status: criteria provided, single submitter. Criteria: EGL Classification Definitions 2015. Collection method: clinical testing. Allele origin: germline. Observed: 1 variant allele, 1 heterozygote.

GeneDx
Classification: Benign. Last evaluated: 2012-05-14. Review status: criteria provided, single submitter. Criteria: GeneDx Variant Classification (06012015). Collection method: clinical testing. Allele origin: germline. Affected: yes.
Comment: This variant is considered likely benign or benign based on one or more of the following criteria: it is a conservative change, it occurs at a poorly conserved position in the protein, it is predicted to be benign by multiple in silico algorithms, and/or has population frequency not consistent with disease.

Breakthrough Genomics
Classification: Likely benign. Review status: criteria provided, single submitter. Criteria: ACMG Guidelines, 2015. Collection method: not provided. Allele origin: germline. Inheritance: Autosomal recessive inheritance. Affected: yes.

Natera, Inc.
Classification: Benign for Neuronal ceroid lipofuscinosis 8. Last evaluated: 2019-12-03. Review status: no assertion criteria provided. Collection method: clinical testing. Allele origin: germline. Not counted in ClinVar's aggregate classification.

Genetic Services Laboratory, University of Chicago
Classification: Likely benign for AllHighlyPenetrant. Review status: no assertion criteria provided. Collection method: clinical testing. Allele origin: germline. Inheritance: Autosomal recessive inheritance. Not counted in ClinVar's aggregate classification.
Comment: Likely benign based on allele frequency in 1000 Genomes Project or ESP global frequency and its presence in a patient with a rare or unrelated disease phenotype. NOT Sanger confirmed.